The following is an entry in ClinVar:

ClinVar aggregate classification (germline): Uncertain significance (1 of 4 stars; one submission).

Submission:

Labcorp Genetics (formerly Invitae), Labcorp
Classification: Uncertain significance. Last evaluated: 2025-08-13. Review status: criteria provided, single submitter. Criteria: Invitae Variant Classification Sherloc (09022015). Collection method: clinical testing. Allele origin: germline.
Comment: This sequence change replaces serine, which is neutral and polar, with arginine, which is basic and polar, at codon 289 of the CARD8 protein (p.Ser289Arg). This variant is present in population databases (rs760059064, gnomAD 0.05%). This variant has not been reported in the literature in individuals affected with CARD8-related conditions. ClinVar contains an entry for this variant (Variation ID: 1439533). An algorithm developed to predict the effect of missense changes on protein structure and function (PolyPhen-2) suggests that this variant is likely to be disruptive. In summary, the available evidence is currently insufficient to determine the role of this variant in disease. Therefore, it has been classified as a Variant of Uncertain Significance.

NM_001184900.3(CARD8):c.1017C>A (p.Ser339Arg)

Gene: CARD8 (caspase recruitment domain family member 8; minus strand). Cytogenetic location: 19q13.33.
Variant type: single nucleotide variant.
Coding change: c.1017C>A on transcript NM_001184900.3 (MANE Select); coding-DNA position 1017, C replaced by A.
Protein change: p.Ser339Arg; replaces serine 339 with arginine.
Molecular consequence: missense variant. On other transcripts: non-coding transcript variant (4).
Genome position (GRCh38, 1-based): chr19:48,230,456, G>T on the plus strand (C>A on the coding strand, the complement: CARD8 is on the minus strand). VCF-style: chr19-48230456-G-T. GRCh37 (hg19) VCF-style: chr19-48733713-G-T.
Other names: c.867C>A, p.Ser289Arg (NM_001184901.1, NM_001351783.2, NM_001351788.2 and 2 more transcripts); c.1017C>A, p.Ser339Arg (NM_001184902.2, NM_001184903.1, NM_001351782.2); c.702C>A, p.Ser234Arg (NM_001351784.2, NM_001351787.2, NM_001351791.2 and 1 more transcripts); c.681C>A, p.Ser227Arg (NM_001351786.2); c.774C>A, p.Ser258Arg (NM_001351790.2); c.699C>A, p.Ser233Arg (NM_001365950.1); short protein forms S233R, S234R, S289R, S258R, S227R, S339R.
Identifiers: ClinVar variation 1439533 (VCV001439533.8), dbSNP rs760059064, ClinGen allele CA9547843.
Genomic context (GRCh38, chr19:48,230,456, plus strand): 5'-ATAATCGTCATCTTCTCTGGTCTCCTAAATCACTCAGCTTACCTTTGTTAGCAAGGCGTC[G>T]CTGGGGACAAGGTACAAGTGGAACTTAATATCTTCGGGGTGGGGGTGATAATAGATCAAT-3'
Protein context (NP_001171829.1, residues 329-349): DIKFHLYLVP[Ser339Arg]DALLTKAIDD